The following is an entry in ClinVar:

NM_000543.5(SMPD1):c.1196C>T (p.Thr399Met)

Gene: SMPD1 (sphingomyelin phosphodiesterase 1; plus strand). Cytogenetic location: 11p15.4.
Variant type: single nucleotide variant.
Coding change: c.1196C>T on transcript NM_000543.5 (MANE Select); coding-DNA position 1196, C replaced by T.
Protein change: p.Thr399Met; replaces threonine 399 with methionine.
Molecular consequence: missense variant. On other transcripts: non-coding transcript variant (1), intron variant (1).
Genome position (GRCh38, 1-based): chr11:6,393,320, C>T. VCF-style: chr11-6393320-C-T. GRCh37 (hg19) VCF-style: chr11-6414550-C-T.
Other names: c.1193C>T, p.Thr398Met (NM_001007593.3); c.1196C>T, p.Thr399Met (NM_001318087.2); c.275C>T, p.Thr92Met (NM_001318088.2); c.1132-297C>T (NM_001365135.2); short protein forms T398M, T399M, T92M.
Identifiers: ClinVar variation 3375743 (VCV003375743.1).

ClinVar aggregate classification (germline): Uncertain significance (1 of 4 stars; one submission).

gnomAD v4.1: 40 of 1,613,866 alleles (0.0025%); highest among the groups gnomAD compares: Middle Eastern, 0.016%; no homozygotes.

Submission:

GeneDx
Classification: Uncertain significance. Last evaluated: 2024-05-03. Review status: criteria provided, single submitter. Criteria: GeneDx Variant Classification Process June 2021. Collection method: clinical testing. Allele origin: germline. Affected: yes.
Comment: Observed in individual with Parkinson disease, however, no additional clinical information was provided (PMID: 29140481); Not observed at significant frequency in large population cohorts (gnomAD); In silico analysis supports that this missense variant has a deleterious effect on protein structure/function; This variant is associated with the following publications: (PMID: 29140481)